The following is an entry in ClinVar:

ClinVar aggregate classification (germline): Uncertain significance. Review status: criteria provided, multiple submitters, no conflicts (2 of 4 stars). 4 submissions from 4 submitters: Uncertain significance (4). Last evaluated 2025-10-15.

Conditions:
Inborn genetic diseases. Identifiers: MedGen C0950123, MeSH D030342.
C1Q deficiency. Identifiers: MedGen C3150902, MONDO:0013343.

Allele frequency attached by ClinVar (database versions not stated): gnomAD 0.00006; TOPMed 0.00006; ESP Exome Variant Server 0.00008; ExAC 0.00012; gnomAD exomes 0.00012 and 0.00016.

Submissions (4):

Ambry Genetics
Classification: Uncertain significance for Inborn genetic diseases. Last evaluated: 2025-10-15. Review status: criteria provided, single submitter. Criteria: Ambry Variant Classification Scheme 2023. Collection method: clinical testing. Allele origin: germline.

Blueprint Genetics
Classification: Uncertain significance. Last evaluated: 2024-11-18. Review status: criteria provided, single submitter. Criteria: ACMG Guidelines, 2015. Collection method: clinical testing. Allele origin: germline.

Labcorp Genetics (formerly Invitae), Labcorp
Classification: Uncertain significance. Last evaluated: 2022-11-15. Review status: criteria provided, single submitter. Criteria: Invitae Variant Classification Sherloc (09022015). Collection method: clinical testing. Allele origin: germline.
Comment: In summary, the available evidence is currently insufficient to determine the role of this variant in disease. Therefore, it has been classified as a Variant of Uncertain Significance. Algorithms developed to predict the effect of missense changes on protein structure and function output the following: SIFT: "Deleterious"; PolyPhen-2: "Possibly Damaging"; Align-GVGD: "Class C0". The methionine amino acid residue is found in multiple mammalian species, which suggests that this missense change does not adversely affect protein function. ClinVar contains an entry for this variant (Variation ID: 1030316). This variant has not been reported in the literature in individuals affected with C1QC-related conditions. This variant is present in population databases (rs200292688, gnomAD 0.02%). This sequence change replaces valine, which is neutral and non-polar, with methionine, which is neutral and non-polar, at codon 180 of the C1QC protein (p.Val180Met).

Baylor Genetics
Classification: Uncertain significance for C1Q deficiency 1. Last evaluated: 2020-06-08. Review status: criteria provided, single submitter. Criteria: ACMG Guidelines, 2015. Collection method: clinical testing. Allele origin: unknown. Affected: yes.
Comment: This variant was determined to be of uncertain significance according to ACMG Guidelines, 2015 [PMID:25741868].

NM_172369.5(C1QC):c.538G>A (p.Val180Met)

Gene: C1QC (complement C1q C chain; plus strand). Cytogenetic location: 1p36.12.
Variant type: single nucleotide variant.
Coding change: c.538G>A on transcript NM_172369.5 (MANE Select); coding-DNA position 538, G replaced by A.
Protein change: p.Val180Met; replaces valine 180 with methionine.
Molecular consequence: missense variant.
Genome position (GRCh38, 1-based): chr1:22,647,583, G>A. VCF-style: chr1-22647583-G-A. GRCh37 (hg19) VCF-style: chr1-22974076-G-A.
Other names: c.538G>A, p.Val180Met (NM_001114101.3, NM_001347619.2); c.271G>A, p.Val91Met (NM_001347620.2); short protein forms V180M, V91M.
Identifiers: ClinVar variation 1030316 (VCV001030316.10), dbSNP rs200292688, ClinGen allele CA678007.
Genomic context (GRCh38, chr1:22,647,583, plus strand): 5'-TGCAAAGTCCCCGGCCTCTACTACTTTGTCTACCACGCGTCGCATACAGCCAACCTGTGC[G>A]TGCTGCTGTACCGCAGCGGCGTCAAAGTGGTCACCTTCTGTGGCCACACGTCCAAAACCA-3'
Protein context (NP_758957.2, residues 170-190): YHASHTANLC[Val180Met]LLYRSGVKVV